The following is an entry in ClinVar:

ClinVar aggregate classification (germline): Uncertain significance. Review status: criteria provided, multiple submitters, no conflicts (2 of 4 stars). 3 submissions from 2 submitters: Uncertain significance (3). Last evaluated 2022-06-22.

Conditions:
Emery-Dreifuss muscular dystrophy 4, autosomal dominant (EDMD4). Also called: EMERY-DREIFUSS MUSCULAR DYSTROPHY 4 WITH VARIABLE FEATURES. Identifiers: Orphanet 261, MedGen C2751807, MONDO:0013071, OMIM 612998.
Autosomal recessive ataxia, Beauce type. Also called: ATAXIA, RECESSIVE, OF BEAUCE; SYNE1 Deficiency; SYNE1-Related Autosomal Recessive Cerebellar Ataxia; Spinocerebellar ataxia, autosomal recessive 8. Identifiers: Orphanet 88644, MedGen C1853116, MONDO:0012549, OMIM 610743.

Allele frequency attached by ClinVar (database versions not stated): gnomAD exomes below 0.00001 and 0.00001.
gnomAD v4.1: 10 of 1,614,162 alleles (0.00062%); highest among the groups gnomAD compares: East Asian, 0.0045%; no homozygotes.

Submissions (3):

Labcorp Genetics (formerly Invitae), Labcorp
Classification: Uncertain significance for Emery-Dreifuss muscular dystrophy 4, autosomal dominant; Autosomal recessive ataxia, Beauce type. Last evaluated: 2022-06-22. Review status: criteria provided, single submitter. Criteria: Invitae Variant Classification Sherloc (09022015). Collection method: clinical testing. Allele origin: germline.
Comment: ClinVar contains an entry for this variant (Variation ID: 904982). This variant has not been reported in the literature in individuals affected with SYNE1-related conditions. This variant is present in population databases (no rsID available, gnomAD 0.0009%). This sequence change replaces methionine, which is neutral and non-polar, with threonine, which is neutral and polar, at codon 2335 of the SYNE1 protein (p.Met2335Thr). In summary, the available evidence is currently insufficient to determine the role of this variant in disease. Therefore, it has been classified as a Variant of Uncertain Significance. Algorithms developed to predict the effect of missense changes on protein structure and function output the following: SIFT: "Tolerated"; PolyPhen-2: "Benign"; Align-GVGD: "Class C0". The threonine amino acid residue is found in multiple mammalian species, which suggests that this missense change does not adversely affect protein function.

Illumina Laboratory Services, Illumina
Classification: Uncertain significance for Autosomal recessive ataxia, Beauce type. Last evaluated: 2018-01-13. Review status: criteria provided, single submitter. Criteria: ICSL Variant Classification Criteria 13 December 2019. Collection method: clinical testing. Allele origin: germline.

Illumina Laboratory Services, Illumina
Classification: Uncertain significance for Emery-Dreifuss muscular dystrophy 4, autosomal dominant. Last evaluated: 2018-01-13. Review status: criteria provided, single submitter. Criteria: ICSL Variant Classification Criteria 13 December 2019. Collection method: clinical testing. Allele origin: germline.

NM_182961.4(SYNE1):c.6983T>C (p.Met2328Thr)

Gene: SYNE1 (spectrin repeat containing nuclear envelope protein 1; minus strand). Cytogenetic location: 6q25.2.
Variant type: single nucleotide variant.
Coding change: c.6983T>C on transcript NM_182961.4 (MANE Select); coding-DNA position 6983, T replaced by C.
Protein change: p.Met2328Thr; replaces methionine 2328 with threonine.
Molecular consequence: missense variant.
Genome position (GRCh38, 1-based): chr6:152,401,184, A>G on the plus strand (T>C on the coding strand, the complement: SYNE1 is on the minus strand). VCF-style: chr6-152401184-A-G. GRCh37 (hg19) VCF-style: chr6-152722319-A-G.
Other names: c.7004T>C, p.Met2335Thr (NM_033071.5); short protein forms M2328T, M2335T.
Identifiers: ClinVar variation 904982 (VCV000904982.8), dbSNP rs1317403604, ClinGen allele CA366119456.